The following is an entry in ClinVar:

NM_006059.4(LAMC3):c.1259A>T (p.His420Leu)

Gene: LAMC3 (laminin subunit gamma 3; plus strand). Cytogenetic location: 9q34.12.
Variant type: single nucleotide variant.
Coding change: c.1259A>T on transcript NM_006059.4 (MANE Select); coding-DNA position 1259, A replaced by T.
Protein change: p.His420Leu; replaces histidine 420 with leucine.
Molecular consequence: missense variant.
Genome position (GRCh38, 1-based): chr9:131,039,224, A>T. VCF-style: chr9-131039224-A-T. GRCh37 (hg19) VCF-style: chr9-133914611-A-T.
Other names: short protein forms H420L.
Identifiers: ClinVar variation 4776890 (VCV004776890.1).

ClinVar aggregate classification (germline): Uncertain significance (1 of 4 stars; one submission).

Submission:

Labcorp Genetics (formerly Invitae), Labcorp
Classification: Uncertain significance. Last evaluated: 2025-05-22. Review status: criteria provided, single submitter. Criteria: Invitae Variant Classification Sherloc (09022015). Collection method: clinical testing. Allele origin: germline.
Comment: This sequence change replaces histidine, which is basic and polar, with leucine, which is neutral and non-polar, at codon 420 of the LAMC3 protein (p.His420Leu). This variant is not present in population databases (gnomAD no frequency). This variant has not been reported in the literature in individuals affected with LAMC3-related conditions. An algorithm developed to predict the effect of missense changes on protein structure and function (PolyPhen-2) suggests that this variant is likely to be disruptive. In summary, the available evidence is currently insufficient to determine the role of this variant in disease. Therefore, it has been classified as a Variant of Uncertain Significance.